The following is an entry in ClinVar:

ClinVar aggregate classification (germline): Uncertain significance. Review status: criteria provided, multiple submitters, no conflicts (2 of 4 stars). 2 submissions from 2 submitters: Uncertain significance (2). Last evaluated 2026-01-16.

Conditions:
Hereditary cancer-predisposing syndrome. Also called: Hereditary neoplastic syndrome; Neoplastic Syndromes, Hereditary; Tumor predisposition; Hereditary Cancer Syndrome. Identifiers: Orphanet 140162, MedGen C0027672, MeSH D009386, MONDO:0015356.
Mitochondrial complex II deficiency, nuclear type 1. Also called: SUCCINATE CoQ REDUCTASE DEFICIENCY. Identifiers: Orphanet 3208, MedGen C5700310, MONDO:0100294, OMIM 252011.
Pheochromocytoma/paraganglioma syndrome 5. Also called: Paragangliomas 5; SDHA-Related Hereditary Paraganglioma-Pheochromocytoma Syndrome. Identifiers: Orphanet 29072, MedGen C3279992, MONDO:0013602, OMIM 614165.

Submissions (2):

Ambry Genetics
Classification: Uncertain significance for Hereditary cancer-predisposing syndrome. Last evaluated: 2026-01-16. Review status: criteria provided, single submitter. Criteria: Ambry Variant Classification Scheme 2023. Collection method: clinical testing. Allele origin: germline.
Comment: The p.N86H variant (also known as c.256A>C), located in coding exon 3 of the SDHA gene, results from an A to C substitution at nucleotide position 256. The asparagine at codon 86 is replaced by histidine, an amino acid with similar properties. This amino acid position is conserved. In addition, this alteration is predicted to be tolerated by in silico analysis. Based on the available evidence, the clinical significance of this variant remains unclear.

Labcorp Genetics (formerly Invitae), Labcorp
Classification: Uncertain significance for Pheochromocytoma/paraganglioma syndrome 5; Mitochondrial complex II deficiency, nuclear type 1. Last evaluated: 2025-04-14. Review status: criteria provided, single submitter. Criteria: Invitae Variant Classification Sherloc (09022015). Collection method: clinical testing. Allele origin: germline.
Comment: This sequence change replaces asparagine, which is neutral and polar, with histidine, which is basic and polar, at codon 86 of the SDHA protein (p.Asn86His). This variant is not present in population databases (gnomAD no frequency). This variant has not been reported in the literature in individuals affected with SDHA-related conditions. ClinVar contains an entry for this variant (Variation ID: 3750167). Invitae Evidence Modeling of protein sequence and biophysical properties (such as structural, functional, and spatial information, amino acid conservation, physicochemical variation, residue mobility, and thermodynamic stability) indicates that this missense variant is not expected to disrupt SDHA protein function with a negative predictive value of 95%. In summary, the available evidence is currently insufficient to determine the role of this variant in disease. Therefore, it has been classified as a Variant of Uncertain Significance.

NM_004168.4(SDHA):c.256A>C (p.Asn86His)

Gene: SDHA (succinate dehydrogenase complex flavoprotein subunit A; plus strand). Cytogenetic location: 5p15.33.
Variant type: single nucleotide variant.
Coding change: c.256A>C on transcript NM_004168.4 (MANE Select); coding-DNA position 256, A replaced by C.
Protein change: p.Asn86His; replaces asparagine 86 with histidine.
Molecular consequence: missense variant.
Genome position (GRCh38, 1-based): chr5:224,465, A>C. VCF-style: chr5-224465-A-C. GRCh37 (hg19) VCF-style: chr5-224580-A-C.
Other names: c.256A>C, p.Asn86His (NM_001294332.2, NM_001330758.2); c.256A>C (NM_004168.2); short protein forms N86H.
Identifiers: ClinVar variation 3750167 (VCV003750167.3).